The following is an entry in ClinVar:

ClinVar aggregate classification (germline): Conflicting classifications of pathogenicity. Review status: criteria provided, conflicting classifications (1 of 4 stars). 3 submissions from 3 submitters: Uncertain significance (2); Likely benign (1). Last evaluated 2024-09-18.

Conditions:
Inborn genetic diseases. Identifiers: MedGen C0950123, MeSH D030342.

gnomAD v4.1: 29 of 1,602,816 alleles (0.0018%); highest among the groups gnomAD compares: East Asian, 0.016%; 1 homozygote.

Submissions (3):

Blueprint Genetics
Classification: Likely benign. Last evaluated: 2024-09-18. Review status: criteria provided, single submitter. Criteria: ACMG Guidelines, 2015. Collection method: clinical testing. Allele origin: germline.

Ambry Genetics
Classification: Uncertain significance for Inborn genetic diseases. Last evaluated: 2024-02-05. Review status: criteria provided, single submitter. Criteria: Ambry Variant Classification Scheme 2023. Collection method: clinical testing. Allele origin: germline.

Labcorp Genetics (formerly Invitae), Labcorp
Classification: Uncertain significance. Last evaluated: 2022-08-06. Review status: criteria provided, single submitter. Criteria: Invitae Variant Classification Sherloc (09022015). Collection method: clinical testing. Allele origin: germline.
Comment: This sequence change replaces proline, which is neutral and non-polar, with alanine, which is neutral and non-polar, at codon 579 of the XYLT2 protein (p.Pro579Ala). This variant is present in population databases (rs749710337, gnomAD 0.02%). This variant has not been reported in the literature in individuals affected with XYLT2-related conditions. ClinVar contains an entry for this variant (Variation ID: 1497973). Algorithms developed to predict the effect of missense changes on protein structure and function output the following: SIFT: "Tolerated"; PolyPhen-2: "Benign"; Align-GVGD: "Class C0". The alanine amino acid residue is found in multiple mammalian species, which suggests that this missense change does not adversely affect protein function. In summary, the available evidence is currently insufficient to determine the role of this variant in disease. Therefore, it has been classified as a Variant of Uncertain Significance.

NM_022167.4(XYLT2):c.1735C>G (p.Pro579Ala)

Gene: XYLT2 (xylosyltransferase 2; plus strand). Cytogenetic location: 17q21.33.
Variant type: single nucleotide variant.
Coding change: c.1735C>G on transcript NM_022167.4 (MANE Select); coding-DNA position 1735, C replaced by G.
Protein change: p.Pro579Ala; replaces proline 579 with alanine.
Molecular consequence: missense variant.
Genome position (GRCh38, 1-based): chr17:50,356,763, C>G. VCF-style: chr17-50356763-C-G. GRCh37 (hg19) VCF-style: chr17-48434124-C-G.
Other names: short protein forms P579A.
Identifiers: ClinVar variation 1497973 (VCV001497973.5), dbSNP rs749710337, ClinGen allele CA8646535.
Genomic context (GRCh38, chr17:50,356,763, plus strand): 5'-ACAGCCTTCGCCCGCCTCAGCCTGCACCATGCCGCCACTGCTGCACCCCCAATGGGCACC[C>G]CACTCTGCAGGTGAGACCCCCTTCTGACATACAGCAGGCCCTTGGGGTGTGGTGCCCTAG-3'
Protein context (NP_071450.2, residues 569-589): AATAAPPMGT[Pro579Ala]LCRFEPRGLP